The following is an entry in ClinVar:

ClinVar aggregate classification (germline): Pathogenic. Review status: criteria provided, multiple submitters, no conflicts (2 of 4 stars). 2 submissions from 2 submitters: Pathogenic (2). Last evaluated 2020-11-12.

Conditions:
Hereditary cancer-predisposing syndrome. Also called: Tumor predisposition; Hereditary neoplastic syndrome; Neoplastic Syndromes, Hereditary; Hereditary Cancer Syndrome. Identifiers: Orphanet 140162, MedGen C0027672, MeSH D009386, MONDO:0015356.
Hereditary breast ovarian cancer syndrome. Also called: Hereditary breast and ovarian cancer; Breast and ovarian cancer; BRCA1- and BRCA2-Associated Hereditary Breast and Ovarian Cancer; Hereditary breast and/or ovarian cancer syndrome; Hereditary breast and ovarian cancer syndrome; Hereditary breast and ovarian cancer syndrome (HBOC). Identifiers: Orphanet 145, MedGen C0677776, MeSH D061325, MONDO:0003582. Disease mechanism: loss of function.

Submissions (2):

Ambry Genetics
Classification: Pathogenic for Hereditary cancer-predisposing syndrome. Last evaluated: 2020-11-12. Review status: criteria provided, single submitter. Criteria: Ambry Variant Classification Scheme 2023. Collection method: clinical testing. Allele origin: germline.
Comment: The c.1709delC pathogenic mutation, located in coding exon 9 of the BRCA1 gene, results from a deletion of one nucleotide at nucleotide position 1709, causing a translational frameshift with a predicted alternate stop codon (p.P570Qfs*2). This variant was not reported in population-based cohorts in the Genome Aggregation Database (gnomAD). This alteration is expected to result in loss of function by premature protein truncation or nonsense-mediated mRNA decay. As such, this alteration is interpreted as a disease-causing mutation.

Labcorp Genetics (formerly Invitae), Labcorp
Classification: Pathogenic for Hereditary breast ovarian cancer syndrome. Last evaluated: 2020-10-21. Review status: criteria provided, single submitter. Criteria: Invitae Variant Classification Sherloc (09022015). Collection method: clinical testing. Allele origin: germline.
Comment: For these reasons, this variant has been classified as Pathogenic. This variant has not been reported in the literature in individuals with BRCA1-related conditions. This variant is not present in population databases (ExAC no frequency). This sequence change creates a premature translational stop signal (p.Pro570Glnfs*2) in the BRCA1 gene. It is expected to result in an absent or disrupted protein product. Loss-of-function variants in BRCA1 are known to be pathogenic (PMID: 20104584).

Literature cited by the submitters: PubMed 20104584 (cited by Labcorp Genetics (formerly Invitae), Labcorp).

NM_007294.4(BRCA1):c.1709del (p.Pro570fs)

Gene: BRCA1 (BRCA1 DNA repair associated; minus strand). Cytogenetic location: 17q21.31.
Variant type: Deletion.
Coding change: c.1709del on transcript NM_007294.4 (MANE Select); coding-DNA position 1709, one base deleted (C; older notation c.1709delC).
Protein change: p.Pro570fs; shifts the reading frame from proline 570.
Molecular consequence: frameshift variant. On other transcripts: intron variant (137).
Genome position (GRCh38, 1-based): chr17:43,093,822, G deleted on the plus strand (C on the coding strand, the reverse complement: BRCA1 is on the minus strand); the first of 3 consecutive G bases (chr17:43,093,822-43,093,824); deleting any one gives the same sequence. VCF-style (leftmost placement, unchanged base first): chr17-43093821-TG-T. GRCh37 (hg19) VCF-style: chr17-41245838-TG-T.
Other names: c.1709delC (NM_007294.3); c.1496del, p.Pro499fs (NM_001407571.1, NM_001407853.1, NM_001407894.1 and 9 more transcripts); c.1709del, p.Pro570fs (NM_001407581.1, NM_001407582.1, NM_001407583.1 and 30 more transcripts); c.1706del, p.Pro569fs (NM_001407587.1, NM_001407590.1, NM_001407591.1 and 22 more transcripts); c.1700del, p.Pro567fs (NM_001407646.1, NM_001407647.1); c.1586del, p.Pro529fs (NM_001407648.1, NM_001407664.1, NM_001407665.1 and 19 more transcripts); c.1583del, p.Pro528fs (NM_001407649.1, NM_001407670.1, NM_001407671.1 and 11 more transcripts); c.1631del, p.Pro544fs (NM_001407653.1, NM_001407654.1, NM_001407655.1 and 4 more transcripts); and 41 more; short protein forms P523fs, P570fs, P402fs, P458fs, P481fs, P529fs, P442fs, P443fs.
Identifiers: ClinVar variation 1074646 (VCV001074646.12), dbSNP rs2154428779, ClinGen allele CA2499224535.